The following is an entry in ClinVar:

ClinVar aggregate classification (germline): Uncertain significance (1 of 4 stars; one submission).

Allele frequency attached by ClinVar (database versions not stated): gnomAD exomes below 0.00001; TOPMed below 0.00001.
gnomAD v4.1: 2 of 1,612,598 alleles (0.00012%); highest among the groups gnomAD compares: Admixed American, 0.0033%; no homozygotes.

Submission:

Labcorp Genetics (formerly Invitae), Labcorp
Classification: Uncertain significance. Last evaluated: 2024-02-20. Review status: criteria provided, single submitter. Criteria: Invitae Variant Classification Sherloc (09022015). Collection method: clinical testing. Allele origin: germline.
Comment: This sequence change falls in intron 9 of the EYS gene. It does not directly change the encoded amino acid sequence of the EYS protein. It affects a nucleotide within the consensus splice site. This variant is present in population databases (no rsID available, gnomAD 0.006%). This variant has not been reported in the literature in individuals affected with EYS-related conditions. ClinVar contains an entry for this variant (Variation ID: 2159450). Variants that disrupt the consensus splice site are a relatively common cause of aberrant splicing (PMID: 17576681, 9536098). Algorithms developed to predict the effect of sequence changes on RNA splicing suggest that this variant is not likely to affect RNA splicing. In summary, the available evidence is currently insufficient to determine the role of this variant in disease. Therefore, it has been classified as a Variant of Uncertain Significance.

Literature cited by the submitters: PubMed 17576681; PubMed 9536098.

NM_001142800.2(EYS):c.1459+4A>G

Gene: EYS (eyes shut homolog; minus strand). Cytogenetic location: 6q12.
Variant type: single nucleotide variant.
Coding change: c.1459+4A>G on transcript NM_001142800.2 (MANE Select); 4 bases into the intron after coding-DNA position 1459, A replaced by G.
Molecular consequence: intron variant.
Genome position (GRCh38, 1-based): chr6:65,353,454, T>C on the plus strand (A>G on the coding strand, the complement: EYS is on the minus strand). VCF-style: chr6-65353454-T-C. GRCh37 (hg19) VCF-style: chr6-66063347-T-C.
Other names: c.1459+4A>G (NM_001292009.2, NM_001142801.2, NM_198283.2).
Identifiers: ClinVar variation 2159450 (VCV002159450.2), dbSNP rs1449947745, ClinGen allele CA568117598.